The following is an entry in ClinVar:

NM_020989.4(CRYGC):c.304A>G (p.Met102Val)

Genes: CRYGC (crystallin gamma C; minus strand), LOC100507443 (uncharacterized LOC100507443; plus strand). Cytogenetic location: 2q33.3.
Variant type: single nucleotide variant.
Coding change: c.304A>G on transcript NM_020989.4 (MANE Select); coding-DNA position 304, A replaced by G.
Protein change: p.Met102Val; replaces methionine 102 with valine.
Molecular consequence: missense variant.
Genome position (GRCh38, 1-based): chr2:208,128,424, T>C on the plus strand (A>G on the coding strand, the complement: CRYGC is on the minus strand). VCF-style: chr2-208128424-T-C. GRCh37 (hg19) VCF-style: chr2-208993148-T-C.
Other names: short protein forms M102V.
Identifiers: ClinVar variation 1059584 (VCV001059584.9), dbSNP rs756540358, ClinGen allele CA2077866.

ClinVar aggregate classification (germline): Uncertain significance (1 of 4 stars; one submission).

Conditions:
Nuclear pulverulent cataract (CTRCT2). Identifiers: MedGen C1852438, HP:0010698.

Allele frequency attached by ClinVar (database versions not stated): TOPMed below 0.00001; ExAC 0.00001; gnomAD 0.00001; gnomAD exomes 0.00001 and 0.00002.

Submission:

Labcorp Genetics (formerly Invitae), Labcorp
Classification: Uncertain significance for Nuclear pulverulent cataract. Last evaluated: 2020-03-14. Review status: criteria provided, single submitter. Criteria: Invitae Variant Classification Sherloc (09022015). Collection method: clinical testing. Allele origin: germline.
Comment: In summary, the available evidence is currently insufficient to determine the role of this variant in disease. Therefore, it has been classified as a Variant of Uncertain Significance. Algorithms developed to predict the effect of missense changes on protein structure and function output the following: SIFT: "Deleterious"; PolyPhen-2: "Benign"; Align-GVGD: "Class C15". The valine amino acid residue is found in multiple mammalian species, suggesting that this missense change does not adversely affect protein function. These predictions have not been confirmed by published functional studies and their clinical significance is uncertain. This variant has not been reported in the literature in individuals with CRYGC-related conditions. This variant is present in population databases (rs756540358, ExAC 0.002%). This sequence change replaces methionine with valine at codon 102 of the CRYGC protein (p.Met102Val). The methionine residue is highly conserved and there is a small physicochemical difference between methionine and valine.